The following is an entry in ClinVar:

ClinVar aggregate classification (germline): Uncertain significance (1 of 4 stars; one submission).

Conditions:
Progressive sclerosing poliodystrophy (MTDPS4A). Also called: Mitochondrial DNA Depletion Syndrome 4A; ALPERS PROGRESSIVE INFANTILE POLIODYSTROPHY; NEURONAL DEGENERATION OF CHILDHOOD WITH LIVER DISEASE, PROGRESSIVE; Mitochondrial DNA depletion syndrome 4A (Alpers type); Alpers Syndrome; ALPERS DIFFUSE DEGENERATION OF CEREBRAL GRAY MATTER WITH HEPATIC CIRRHOSIS. Identifiers: Orphanet 726, MedGen C0205710, MONDO:0008758, OMIM 203700.

Allele frequency attached by ClinVar (database versions not stated): gnomAD exomes below 0.00001.
gnomAD v4.1: 4 of 1,613,818 alleles (0.00025%); highest among the groups gnomAD compares: Non-Finnish European, 0.00034%; no homozygotes.

Submission:

Labcorp Genetics (formerly Invitae), Labcorp
Classification: Uncertain significance for Progressive sclerosing poliodystrophy. Last evaluated: 2023-06-14. Review status: criteria provided, single submitter. Criteria: Invitae Variant Classification Sherloc (09022015). Collection method: clinical testing. Allele origin: germline.
Comment: In summary, the available evidence is currently insufficient to determine the role of this variant in disease. Therefore, it has been classified as a Variant of Uncertain Significance. Advanced modeling of protein sequence and biophysical properties (such as structural, functional, and spatial information, amino acid conservation, physicochemical variation, residue mobility, and thermodynamic stability) has been performed at Invitae for this missense variant, however the output from this modeling did not meet the statistical confidence thresholds required to predict the impact of this variant on POLG protein function. This variant has not been reported in the literature in individuals affected with POLG-related conditions. This variant is not present in population databases (gnomAD no frequency). This sequence change replaces lysine, which is basic and polar, with arginine, which is basic and polar, at codon 934 of the POLG protein (p.Lys934Arg).

NM_002693.3(POLG):c.2801A>G (p.Lys934Arg)

Gene: POLG (DNA polymerase gamma, catalytic subunit; minus strand). Cytogenetic location: 15q26.1.
Variant type: single nucleotide variant.
Coding change: c.2801A>G on transcript NM_002693.3 (MANE Select); coding-DNA position 2801, A replaced by G.
Protein change: p.Lys934Arg; replaces lysine 934 with arginine.
Molecular consequence: missense variant.
Genome position (GRCh38, 1-based): chr15:89,320,946, T>C on the plus strand (A>G on the coding strand, the complement: POLG is on the minus strand). VCF-style: chr15-89320946-T-C. GRCh37 (hg19) VCF-style: chr15-89864177-T-C.
Other names: c.2801A>G, p.Lys934Arg (NM_001126131.2); short protein forms K934R.
Identifiers: ClinVar variation 3002669 (VCV003002669.3), dbSNP rs2509217485, ClinGen allele CA393753058.